The following is an entry in ClinVar:

NM_001354604.2(MITF):c.887_894dup (p.Thr299fs)

Gene: MITF (melanocyte inducing transcription factor; plus strand). Cytogenetic location: 3p13.
Variant type: Duplication.
Coding change: c.887_894dup on transcript NM_001354604.2 (MANE Select); coding-DNA positions 887 to 894, 8 bases duplicated (TTTTTCCC; older notation c.887_894dupTTTTTCCC).
Protein change: p.Thr299fs; shifts the reading frame from threonine 299.
Molecular consequence: frameshift variant. On other transcripts: intron variant (9).
Genome position (GRCh38, 1-based): chr3:69,951,818-69,951,825, TTTTTCCC duplicated. VCF-style (leftmost placement, unchanged base first): chr3-69951817-A-ATTTTTCCC. GRCh37 (hg19) VCF-style: chr3-70000968-A-ATTTTTCCC.
Other names: c.566_573dup, p.Thr192fs (NM_000248.4); c.884_891dup, p.Thr298fs (NM_001354605.2); c.830-12_830-5dup (NM_001354607.2); c.725-12_725-5dup (NM_001354608.2, NM_001184967.2); c.881-12_881-5dup (NM_198159.3); c.878-12_878-5dup (NM_001354606.2, NM_006722.3); c.833-12_833-5dup (NM_198177.3); c.560-12_560-5dup (NM_198158.3); and 1 more; short protein forms T192fs, T298fs, T299fs.
Identifiers: ClinVar variation 3749427 (VCV003749427.2).
Genomic context (GRCh38, chr3:69,951,817, plus strand): 5'-ATTTTGTGCAACTTCAAACAGTTCCAACTTCTAATGACTTCATTCACGTGCACAGCGTGT[A>ATTTTTCCC]TTTTTCCCACAGAGTCTGAAGCAAGAGCACTGGCCAAAGAGAGGCAGAAAAAGGACAATC-3'

ClinVar aggregate classification (germline): Pathogenic (1 of 4 stars; one submission).

Conditions:
Melanoma, cutaneous malignant, susceptibility to, 8. Also called: Cutaneous malignant melanoma 8; MELANOMA AND RENAL CELL CARCINOMA, SUSCEPTIBILITY TO. Identifiers: Orphanet 293822, MedGen C3152204, MONDO:0013759, OMIM 614456.
Tietz syndrome (TADS). Also called: HYPOPIGMENTATION/DEAFNESS OF TIETZ; TIETZ ALBINISM-DEAFNESS SYNDROME; ALBINISM-DEAFNESS OF TIETZ. Identifiers: Orphanet 42665, MedGen C0391816, MONDO:0007077, OMIM 103500.
Waardenburg syndrome type 2A (WS2A). Also called: WAARDENBURG SYNDROME WITHOUT DYSTOPIA CANTHORUM. Identifiers: Orphanet 3440, MedGen C1860339, MONDO:0008671, OMIM 193510.

Submission:

Labcorp Genetics (formerly Invitae), Labcorp
Classification: Pathogenic for Melanoma, cutaneous malignant, susceptibility to, 8; Waardenburg syndrome type 2A; Tietz syndrome. Last evaluated: 2025-11-06. Review status: criteria provided, single submitter. Criteria: Invitae Variant Classification Sherloc (09022015). Collection method: clinical testing. Allele origin: germline.
Comment: This sequence change creates a premature translational stop signal (p.Thr192Phefs*23) in the MITF gene. It is expected to result in an absent or disrupted protein product. Loss-of-function variants in MITF are known to be pathogenic (PMID: 8659547, 20127975). This variant is not present in population databases (gnomAD no frequency). This variant has not been reported in the literature in individuals affected with MITF-related conditions. ClinVar contains an entry for this variant (Variation ID: 3749427). Algorithms developed to predict the effect of sequence changes on RNA splicing suggest that this variant may disrupt the consensus splice site. For these reasons, this variant has been classified as Pathogenic.

Literature cited by the submitters: PubMed 8659547; PubMed 20127975.